The following is an entry in ClinVar:

ClinVar aggregate classification (germline): Uncertain significance (1 of 4 stars; one submission).

Submission:

Dasa
Classification: Uncertain significance. Last evaluated: 2025-09-12. Review status: criteria provided, single submitter. Criteria: DASA Assertion Criteria. Collection method: clinical testing. Allele origin: germline.
Comment: NM_004973.4(JARID2):c.1379T>C (p.Met460Thr) is a missense variant that results in the substitution of methionine with threonine. This variant is absent from population databases. The currently available literature and clinical evidence are not sufficient to establish a definitive association between this variant and the reported condition. Therefore, this variant is classified as a variant of uncertain significance.

NM_004973.4(JARID2):c.1379T>C (p.Met460Thr)

Gene: JARID2 (jumonji and AT-rich interaction domain containing 2; plus strand). Cytogenetic location: 6p22.3.
Variant type: single nucleotide variant.
Coding change: c.1379T>C on transcript NM_004973.4 (MANE Select); coding-DNA position 1379, T replaced by C.
Protein change: p.Met460Thr; replaces methionine 460 with threonine.
Molecular consequence: missense variant.
Genome position (GRCh38, 1-based): chr6:15,496,604, T>C. VCF-style: chr6-15496604-T-C. GRCh37 (hg19) VCF-style: chr6-15496835-T-C.
Other names: c.863T>C, p.Met288Thr (NM_001267040.1); short protein forms M288T, M460T.
Identifiers: ClinVar variation 4881157 (VCV004881157.2).